The following is an entry in ClinVar:

NM_000178.4(GSS):c.37C>T (p.Gln13Ter)

Gene: GSS (glutathione synthetase; minus strand). Cytogenetic location: 20q11.22.
Variant type: single nucleotide variant.
Coding change: c.37C>T on transcript NM_000178.4 (MANE Select); coding-DNA position 37, C replaced by T.
Protein change: p.Gln13Ter; replaces glutamine 13 with a stop codon.
Molecular consequence: nonsense.
Genome position (GRCh38, 1-based): chr20:34,951,816, G>A on the plus strand (C>T on the coding strand, the complement: GSS is on the minus strand). VCF-style: chr20-34951816-G-A. GRCh37 (hg19) VCF-style: chr20-33539619-G-A.
Other names: c.37C>T, p.Gln13Ter (NM_001322494.1, NM_001322495.1); short protein forms Q13*.
Identifiers: ClinVar variation 3637395 (VCV003637395.2).

ClinVar aggregate classification (germline): Pathogenic (1 of 4 stars; one submission).

Conditions:
Glutathione synthetase deficiency with 5-oxoprolinuria. Also called: PYROGLUTAMIC ACIDURIA; 5-Oxoprolinuria; Gluthathione synthetase deficiency; 5-OXOPROLINURIA DUE TO GLUTATHIONE SYNTHETASE DEFICIENCY; Reduced glutathione synthetase level. Identifiers: Orphanet 289846, MedGen C0398746, MONDO:0009947, OMIM 266130, HP:0003343.

Submission:

Labcorp Genetics (formerly Invitae), Labcorp
Classification: Pathogenic for Glutathione synthetase deficiency with 5-oxoprolinuria. Last evaluated: 2024-01-29. Review status: criteria provided, single submitter. Criteria: Invitae Variant Classification Sherloc (09022015). Collection method: clinical testing. Allele origin: germline.
Comment: This sequence change creates a premature translational stop signal (p.Gln13*) in the GSS gene. It is expected to result in an absent or disrupted protein product. Loss-of-function variants in GSS are known to be pathogenic (PMID: 12638941, 15717202). This variant is not present in population databases (gnomAD no frequency). This variant has not been reported in the literature in individuals affected with GSS-related conditions. For these reasons, this variant has been classified as Pathogenic.

Literature cited by the submitters: PubMed 12638941; PubMed 15717202.